The following is an entry in ClinVar:

ClinVar aggregate classification (germline): Benign/Likely benign. Review status: criteria provided, multiple submitters, no conflicts (2 of 4 stars). 7 submissions from 7 submitters: Benign (4); Likely benign (2). 1 of the submissions does not count toward it. Last evaluated 2026-04-06.

Conditions:
NFKB2-related disorder. Also called: NFKB2-related condition.
Immunodeficiency, common variable, 10. Also called: DEFICIT IN ANTERIOR PITUITARY FUNCTION AND VARIABLE IMMUNODEFICIENCY; IMMUNODEFICIENCY, COMMON VARIABLE, WITH CENTRAL ADRENAL INSUFFICIENCY. Identifiers: MedGen C3809991, MONDO:0014260, OMIM 615577.

Allele frequency attached by ClinVar (database versions not stated): 1000 Genomes Project 0.00040; 1000 Genomes Project 30x 0.00047; gnomAD 0.00215 and 0.00221; TOPMed 0.00223; gnomAD exomes 0.00260 and 0.00307; ExAC 0.00289; ESP Exome Variant Server 0.00324.
gnomAD v4.1: 4,772 of 1,592,402 alleles (0.3%); highest among the groups gnomAD compares: Non-Finnish European, 0.33%; 12 homozygotes.

Submissions (7):

Women's Health and Genetics/Laboratory Corporation of America, LabCorp
Classification: Benign. Last evaluated: 2026-04-06. Review status: criteria provided, single submitter. Criteria: LabCorp Variant Classification Summary - May 2015. Collection method: clinical testing. Allele origin: germline.

Labcorp Genetics (formerly Invitae), Labcorp
Classification: Benign for Immunodeficiency, common variable, 10. Last evaluated: 2026-02-03. Review status: criteria provided, single submitter. Criteria: Invitae Variant Classification Sherloc (09022015). Collection method: clinical testing. Allele origin: germline.

CeGaT Center for Human Genetics Tuebingen
Classification: Likely benign. Last evaluated: 2025-11-01. Review status: criteria provided, single submitter. Criteria: CeGaT Center For Human Genetics Tuebingen Variant Classification Criteria Version 2. Collection method: clinical testing. Allele origin: germline. Affected: yes. Observed: 5 variant alleles.
Comment: NFKB2: BP4, BP7

Mayo Clinic Laboratories, Mayo Clinic
Classification: Benign. Last evaluated: 2025-01-08. Review status: criteria provided, single submitter. Criteria: ACMG Guidelines, 2015. Collection method: clinical testing. Allele origin: germline. Observed: 1 variant allele.
Comment: BS1, BS2, BP4, BP7

Blueprint Genetics
Classification: Likely benign. Last evaluated: 2024-11-24. Review status: criteria provided, single submitter. Criteria: ACMG Guidelines, 2015. Collection method: clinical testing. Allele origin: germline.

ARUP Laboratories, Molecular Genetics and Genomics, ARUP Laboratories
Classification: Benign for Immunodeficiency, common variable, 10. Last evaluated: 2023-11-22. Review status: criteria provided, single submitter. Criteria: ARUP Molecular Germline Variant Investigation Process 2024. Collection method: clinical testing. Allele origin: germline.

PreventionGenetics, part of Exact Sciences
Classification: Benign for NFKB2-related condition. Last evaluated: 2019-08-28. Review status: no assertion criteria provided. Collection method: clinical testing. Allele origin: germline. Not counted in ClinVar's aggregate classification.
Comment: This variant is classified as benign based on ACMG/AMP sequence variant interpretation guidelines (Richards et al. 2015 PMID: 25741868, with internal and published modifications).

NM_001322934.2(NFKB2):c.1962C>T (p.Val654=)

Gene: NFKB2 (nuclear factor kappa B subunit 2; plus strand). Cytogenetic location: 10q24.32.
Variant type: single nucleotide variant.
Coding change: c.1962C>T on transcript NM_001322934.2 (MANE Select); coding-DNA position 1962, C replaced by T.
Protein change: p.Val654=; no amino-acid change (valine 654 retained).
Molecular consequence: synonymous variant.
Genome position (GRCh38, 1-based): chr10:102,400,818, C>T. VCF-style: chr10-102400818-C-T. GRCh37 (hg19) VCF-style: chr10-104160575-C-T.
Other names: p.Val654=; c.1962C>T, p.Val654= (NM_001077494.3, NM_001261403.3, NM_001288724.1 and 2 more transcripts); c.1836C>T, p.Val612= (NM_001322935.1).
Identifiers: ClinVar variation 474779 (VCV000474779.47), dbSNP rs201623844, ClinGen allele CA5664922.
Genomic context (GRCh38, chr10:102,400,818, plus strand): 5'-ACGAACAGCCTTGCATCTAGCCACAGAGATGGAGGAGCTGGGGTTGGTCACCCATCTGGT[C>T]ACCAAGGTGGGACTGAGGATTGTGGAAGGAGTGGGGCCAAGGGTGGTGGAGGGGCCAAAG-3'
Protein context (NP_001309863.1, residues 644-664): MEELGLVTHL[Val654=]TKLRANVNAR